The following is an entry in ClinVar:

ClinVar aggregate classification (germline): Uncertain significance (1 of 4 stars; one submission).

Submission:

Labcorp Genetics (formerly Invitae), Labcorp
Classification: Uncertain significance. Last evaluated: 2019-10-02. Review status: criteria provided, single submitter. Criteria: Invitae Variant Classification Sherloc (09022015). Collection method: clinical testing. Allele origin: germline.
Comment: In summary, the available evidence is currently insufficient to determine the role of this variant in disease. Therefore, it has been classified as a Variant of Uncertain Significance. This sequence change falls in intron 32 of the POLE gene. It does not directly change the encoded amino acid sequence of the POLE protein, but it affects a nucleotide within the consensus splice site of the intron. Nucleotide substitutions within the consensus splice site are a relatively common cause of aberrant splicing (PMID: 17576681, 9536098). Algorithms developed to predict the effect of sequence changes on RNA splicing suggest that this variant may disrupt the consensus splice site, but this prediction has not been confirmed by published transcriptional studies. This variant has not been reported in the literature in individuals with POLE-related conditions. This variant is not present in population databases (ExAC no frequency).

Literature cited by the submitters: PubMed 17576681; PubMed 9536098.

NM_006231.4(POLE):c.4149+5G>A

Gene: POLE (DNA polymerase epsilon, catalytic subunit; minus strand). Cytogenetic location: 12q24.33.
Variant type: single nucleotide variant.
Coding change: c.4149+5G>A on transcript NM_006231.4 (MANE Select); 5 bases into the intron after coding-DNA position 4149, G replaced by A.
Molecular consequence: intron variant.
Genome position (GRCh38, 1-based): chr12:132,648,924, C>T on the plus strand (G>A on the coding strand, the complement: POLE is on the minus strand). VCF-style: chr12-132648924-C-T. GRCh37 (hg19) VCF-style: chr12-133225510-C-T.
Identifiers: ClinVar variation 940716 (VCV000940716.7), dbSNP rs2042348998, ClinGen allele CA1139662965.